The following is an entry in ClinVar:

ClinVar aggregate classification (germline): Uncertain significance. Review status: criteria provided, multiple submitters, no conflicts (2 of 4 stars). 2 submissions from 2 submitters: Uncertain significance (2). Last evaluated 2025-02-11.

gnomAD v4.1: 21 of 1,609,876 alleles (0.0013%); highest among the groups gnomAD compares: Middle Eastern, 0.033%; no homozygotes.

Submissions (2):

Women's Health and Genetics/Laboratory Corporation of America, LabCorp
Classification: Uncertain significance. Last evaluated: 2025-02-11. Review status: criteria provided, single submitter. Criteria: LabCorp Variant Classification Summary - May 2015. Collection method: clinical testing. Allele origin: germline.
Comment: Variant summary: ABCA7 c.2773C>T (p.Gln925X) results in a premature termination codon, predicted to cause a truncation of the encoded protein or absence of the protein due to nonsense mediated decay, however current evidence is not sufficient to establish loss of function as a mechanism for disease. The variant allele was found at a frequency of 8.1e-06 in 246496 control chromosomes. The available data on variant occurrences in the general population are insufficient to allow any conclusion about variant significance. To our knowledge, no occurrence of c.2773C>T in individuals affected with Alzheimer Disease, Type 9 and no experimental evidence demonstrating its impact on protein function have been reported. No submitters have cited clinical-significance assessments for this variant to ClinVar. Based on the evidence outlined above, the variant was classified as uncertain significance.

Blueprint Genetics
Classification: Uncertain significance. Last evaluated: 2023-07-27. Review status: criteria provided, single submitter. Criteria: ACMG Guidelines, 2015. Collection method: clinical testing. Allele origin: germline.

NM_019112.4(ABCA7):c.2773C>T (p.Gln925Ter)

Gene: ABCA7 (ATP binding cassette subfamily A member 7; plus strand). Cytogenetic location: 19p13.3.
Variant type: single nucleotide variant.
Coding change: c.2773C>T on transcript NM_019112.4 (MANE Select); coding-DNA position 2773, C replaced by T.
Protein change: p.Gln925Ter; replaces glutamine 925 with a stop codon.
Molecular consequence: nonsense.
Genome position (GRCh38, 1-based): chr19:1,051,243, C>T. VCF-style: chr19-1051243-C-T. GRCh37 (hg19) VCF-style: chr19-1051242-C-T.
Other names: short protein forms Q925*.
Identifiers: ClinVar variation 3768602 (VCV003768602.2).